The following is an entry in ClinVar:

NM_021927.3(GUF1):c.1831G>A (p.Glu611Lys)

Gene: GUF1 (GTP binding elongation factor GUF1; plus strand). Cytogenetic location: 4p12.
Variant type: single nucleotide variant.
Coding change: c.1831G>A on transcript NM_021927.3 (MANE Select); coding-DNA position 1831, G replaced by A.
Protein change: p.Glu611Lys; replaces glutamic acid 611 with lysine.
Molecular consequence: missense variant. On other transcripts: intron variant (1).
Genome position (GRCh38, 1-based): chr4:44,695,730, G>A. VCF-style: chr4-44695730-G-A. GRCh37 (hg19) VCF-style: chr4-44697747-G-A.
Other names: c.859G>A, p.Glu287Lys (NM_001345867.2, NM_001345869.2); c.1715+1217G>A (NM_001345868.2); short protein forms E287K, E611K.
Identifiers: ClinVar variation 1713820 (VCV001713820.5), dbSNP rs749687639, ClinGen allele CA2905761.

ClinVar aggregate classification (germline): Uncertain significance (1 of 4 stars; one submission).

Allele frequency attached by ClinVar (database versions not stated): ExAC 0.00001.

Submission:

Labcorp Genetics (formerly Invitae), Labcorp
Classification: Uncertain significance. Last evaluated: 2024-02-24. Review status: criteria provided, single submitter. Criteria: Invitae Variant Classification Sherloc (09022015). Collection method: clinical testing. Allele origin: germline.
Comment: This sequence change replaces glutamic acid, which is acidic and polar, with lysine, which is basic and polar, at codon 611 of the GUF1 protein (p.Glu611Lys). This variant is present in population databases (rs749687639, gnomAD 0.006%). This variant has not been reported in the literature in individuals affected with GUF1-related conditions. ClinVar contains an entry for this variant (Variation ID: 1713820). An algorithm developed to predict the effect of missense changes on protein structure and function (PolyPhen-2) suggests that this variant is likely to be disruptive. In summary, the available evidence is currently insufficient to determine the role of this variant in disease. Therefore, it has been classified as a Variant of Uncertain Significance.